The following is an entry in ClinVar:

NM_001365276.2(TNXB):c.8045C>T (p.Thr2682Ile)

Gene: TNXB (tenascin XB; minus strand). Cytogenetic location: 6p21.33.
Variant type: single nucleotide variant.
Coding change: c.8045C>T on transcript NM_001365276.2 (MANE Select); coding-DNA position 8045, C replaced by T.
Protein change: p.Thr2682Ile; replaces threonine 2682 with isoleucine.
Molecular consequence: missense variant.
Genome position (GRCh38, 1-based): chr6:32,056,684, G>A on the plus strand (C>T on the coding strand, the complement: TNXB is on the minus strand). VCF-style: chr6-32056684-G-A. GRCh37 (hg19) VCF-style: chr6-32024461-G-A.
Other names: c.8786C>T, p.Thr2929Ile (NM_001428335.1); c.8045C>T, p.Thr2682Ile (NM_019105.8); short protein forms T2929I, T2682I.
Identifiers: ClinVar variation 4826800 (VCV004826800.1).

ClinVar aggregate classification (germline): Uncertain significance (1 of 4 stars; one submission).

Conditions:
Cardiovascular phenotype. Identifiers: MedGen CN230736.

Submission:

Ambry Genetics
Classification: Uncertain significance for Cardiovascular phenotype. Last evaluated: 2026-02-22. Review status: criteria provided, single submitter. Criteria: Ambry Variant Classification Scheme 2023. Collection method: clinical testing. Allele origin: germline.
Comment: The p.T2682I variant (also known as c.8045C>T), located in coding exon 22 of the TNXB gene, results from a C to T substitution at nucleotide position 8045. The threonine at codon 2682 is replaced by isoleucine, an amino acid with similar properties. This amino acid position is conserved. In addition, this alteration is predicted to be tolerated by in silico analysis. Based on the available evidence, the clinical significance of this variant remains unclear.